The following is an entry in ClinVar:

NM_004517.4(ILK):c.-16G>A

Genes: ILK (integrin linked kinase; plus strand), LOC130005201 (ATAC-STARR-seq lymphoblastoid active region 4345; plus strand). Cytogenetic location: 11p15.4.
Variant type: single nucleotide variant.
Coding change: c.-16G>A on transcript NM_004517.4 (MANE Select); 16 bases upstream of the start codon, G replaced by A.
Molecular consequence: 5 prime UTR variant.
Genome position (GRCh38, 1-based): chr11:6,604,256, G>A. VCF-style: chr11-6604256-G-A. GRCh37 (hg19) VCF-style: chr11-6625486-G-A.
Other names: c.-16G>A (NM_001014794.3, NM_001014795.3, NM_001278441.2); c.-252G>A (NM_001278442.2).
Identifiers: ClinVar variation 509417 (VCV000509417.1), dbSNP rs1554896788, ClinGen allele CA472757606.

ClinVar aggregate classification (germline): Likely benign (1 of 4 stars; one submission).

Submission:

GeneDx
Classification: Likely benign. Last evaluated: 2017-05-08. Review status: criteria provided, single submitter. Criteria: GeneDx Variant Classification (06012015). Collection method: clinical testing. Allele origin: germline. Affected: yes.
Comment: This variant is considered likely benign or benign based on one or more of the following criteria: it is a conservative change, it occurs at a poorly conserved position in the protein, it is predicted to be benign by multiple in silico algorithms, and/or has population frequency not consistent with disease.